The following is an entry in ClinVar:

NM_018230.3(NUP133):c.69C>T (p.Leu23=)

Genes: NUP133 (nucleoporin 133; minus strand), LOC129932732 (ATAC-STARR-seq lymphoblastoid silent region 1931; plus strand). Cytogenetic location: 1q42.13.
Variant type: single nucleotide variant.
Coding change: c.69C>T on transcript NM_018230.3 (MANE Select); coding-DNA position 69, C replaced by T.
Protein change: p.Leu23=; no amino-acid change (leucine 23 retained).
Molecular consequence: synonymous variant.
Genome position (GRCh38, 1-based): chr1:229,508,181, G>A on the plus strand (C>T on the coding strand, the complement: NUP133 is on the minus strand). VCF-style: chr1-229508181-G-A. GRCh37 (hg19) VCF-style: chr1-229643928-G-A.
Identifiers: ClinVar variation 3056753 (VCV003056753.2), dbSNP rs761096694, ClinGen allele CA1443961.
Genomic context (GRCh38, chr1:229,508,181, plus strand): 5'-GACTGCAGACCCCAGGGGCAGACCCTTCCTGCTAGCCGTCCGGGGCGTGGAGCCGGGCCC[G>A]AGTCCGGCCAGCGGGCCCCTTCGGGACCCGGTACCCGGGGTCCGCGGAGAAGGGGCGGCT-3'
Protein context (NP_060700.2, residues 13-33): TGSRRGPLAG[Leu23=]GPGSTPRTAS

ClinVar aggregate classification (germline): Likely benign (0 of 4 stars; one submission).

Conditions:
NUP133-related disorder. Also called: NUP133-related condition.

Allele frequency attached by ClinVar (database versions not stated): gnomAD exomes 0.00001; ExAC 0.00004.
gnomAD v4.1: 15 of 1,585,928 alleles (0.00095%); highest among the groups gnomAD compares: Middle Eastern, 0.019%; no homozygotes.

Submission:

PreventionGenetics, part of Exact Sciences
Classification: Likely benign for NUP133-related condition. Last evaluated: 2019-05-01. Review status: no assertion criteria provided. Collection method: clinical testing. Allele origin: germline.
Comment: This variant is classified as likely benign based on ACMG/AMP sequence variant interpretation guidelines (Richards et al. 2015 PMID: 25741868, with internal and published modifications).